The following is an entry in ClinVar:

ClinVar aggregate classification (germline): Uncertain significance. Review status: criteria provided, multiple submitters, no conflicts (2 of 4 stars). 2 submissions from 2 submitters: Uncertain significance (2). Last evaluated 2023-12-31.

Conditions:
Focal segmental glomerulosclerosis 5 (FSGS5). Identifiers: Orphanet 656, MedGen C2750475, MONDO:0013191, OMIM 613237.
Charcot-Marie-Tooth disease dominant intermediate E. Also called: CHARCOT-MARIE-TOOTH NEUROPATHY WITH FOCAL SEGMENTAL GLOMERULONEPHRITIS. Identifiers: Orphanet 93114, MedGen C4302667, MONDO:0013758, OMIM 614455.

Allele frequency attached by ClinVar (database versions not stated): gnomAD exomes below 0.00001.
gnomAD v4.1: 5 of 1,557,952 alleles (0.00032%); highest among the groups gnomAD compares: Admixed American, 0.0019%; no homozygotes.

Submissions (2):

Labcorp Genetics (formerly Invitae), Labcorp
Classification: Uncertain significance for Charcot-Marie-Tooth disease dominant intermediate E; Focal segmental glomerulosclerosis 5. Last evaluated: 2023-12-31. Review status: criteria provided, single submitter. Criteria: Invitae Variant Classification Sherloc (09022015). Collection method: clinical testing. Allele origin: germline.
Comment: This sequence change replaces aspartic acid, which is acidic and polar, with glycine, which is neutral and non-polar, at codon 398 of the INF2 protein (p.Asp398Gly). This variant is not present in population databases (gnomAD no frequency). This variant has not been reported in the literature in individuals affected with INF2-related conditions. Advanced modeling of protein sequence and biophysical properties (such as structural, functional, and spatial information, amino acid conservation, physicochemical variation, residue mobility, and thermodynamic stability) performed at Invitae indicates that this missense variant is not expected to disrupt INF2 protein function with a negative predictive value of 95%. In summary, the available evidence is currently insufficient to determine the role of this variant in disease. Therefore, it has been classified as a Variant of Uncertain Significance.

GeneDx
Classification: Uncertain significance. Last evaluated: 2023-05-25. Review status: criteria provided, single submitter. Criteria: GeneDx Variant Classification Process June 2021. Collection method: clinical testing. Allele origin: germline. Affected: yes.
Comment: Not observed at significant frequency in large population cohorts (gnomAD); In silico analysis supports that this missense variant does not alter protein structure/function; Has not been previously published as pathogenic or benign to our knowledge

NM_022489.4(INF2):c.1193A>G (p.Asp398Gly)

Gene: INF2 (inverted formin 2; plus strand). Cytogenetic location: 14q32.33.
Variant type: single nucleotide variant.
Coding change: c.1193A>G on transcript NM_022489.4 (MANE Select); coding-DNA position 1193, A replaced by G.
Protein change: p.Asp398Gly; replaces aspartic acid 398 with glycine.
Molecular consequence: missense variant.
Genome position (GRCh38, 1-based): chr14:104,707,460, A>G. VCF-style: chr14-104707460-A-G. GRCh37 (hg19) VCF-style: chr14-105173797-A-G.
Other names: c.1193A>G (NM_022489.3); c.1193A>G, p.Asp398Gly (NM_001031714.4, NM_001426862.1, NM_001426863.1 and 2 more transcripts); short protein forms D398G.
Identifiers: ClinVar variation 2924497 (VCV002924497.4), dbSNP rs2541918241, ClinGen allele CA391216070.